The following is an entry in ClinVar:

ClinVar aggregate classification (germline): Likely benign. Review status: criteria provided, multiple submitters, no conflicts (2 of 4 stars). 3 submissions from 3 submitters: Likely benign (2). 1 of the submissions does not count toward it. Last evaluated 2025-01-01.

Conditions:
Short-rib thoracic dysplasia 10 with or without polydactyly (SRTD10). Identifiers: Orphanet 474, MedGen C3810175, MONDO:0014284, OMIM 615630.
Retinitis pigmentosa 71 (RP71). Identifiers: Orphanet 791, MedGen C4225342, MONDO:0014618, OMIM 616394.
IFT172-related disorder. Also called: IFT172-related disorders; IFT172-related condition.

Allele frequency attached by ClinVar (database versions not stated): TOPMed 0.00001; ExAC 0.00002; gnomAD 0.00002; gnomAD exomes 0.00002 and 0.00003.
gnomAD v4.1: 32 of 1,601,002 alleles (0.002%); highest among the groups gnomAD compares: Middle Eastern, 0.05%; no homozygotes.

Submissions (3):

Labcorp Genetics (formerly Invitae), Labcorp
Classification: Likely benign for Retinitis pigmentosa 71; Short-rib thoracic dysplasia 10 with or without polydactyly. Last evaluated: 2025-01-01. Review status: criteria provided, single submitter. Criteria: Invitae Variant Classification Sherloc (09022015). Collection method: clinical testing. Allele origin: germline.

Breakthrough Genomics
Classification: Likely benign. Review status: criteria provided, single submitter. Criteria: ACMG Guidelines, 2015. Collection method: not provided. Allele origin: germline. Inheritance: Autosomal recessive inheritance. Affected: yes.

PreventionGenetics, part of Exact Sciences
Classification: Likely benign for IFT172-related condition. Last evaluated: 2023-12-13. Review status: no assertion criteria provided. Collection method: clinical testing. Allele origin: germline. Not counted in ClinVar's aggregate classification.
Comment: This variant is classified as likely benign based on ACMG/AMP sequence variant interpretation guidelines (Richards et al. 2015 PMID: 25741868, with internal and published modifications).

NM_015662.3(IFT172):c.4539+10C>T

Gene: IFT172 (intraflagellar transport 172; minus strand). Cytogenetic location: 2p23.3.
Variant type: single nucleotide variant.
Coding change: c.4539+10C>T on transcript NM_015662.3 (MANE Select); 10 bases into the intron after coding-DNA position 4539, C replaced by T.
Molecular consequence: intron variant.
Genome position (GRCh38, 1-based): chr2:27,447,802, G>A on the plus strand (C>T on the coding strand, the complement: IFT172 is on the minus strand). VCF-style: chr2-27447802-G-A. GRCh37 (hg19) VCF-style: chr2-27670669-G-A.
Other names: c.4539+10C>T (NM_015662.2).
Identifiers: ClinVar variation 1128185 (VCV001128185.12), dbSNP rs778633701, ClinGen allele CA1579583.